The following is an entry in ClinVar:

NM_025081.3(NYNRIN):c.2744G>A (p.Arg915His)

Gene: NYNRIN (NYN domain and retroviral integrase containing; plus strand). Cytogenetic location: 14q12.
Variant type: single nucleotide variant.
Coding change: c.2744G>A on transcript NM_025081.3 (MANE Select); coding-DNA position 2744, G replaced by A.
Protein change: p.Arg915His; replaces arginine 915 with histidine.
Molecular consequence: missense variant.
Genome position (GRCh38, 1-based): chr14:24,413,098, G>A. VCF-style: chr14-24413098-G-A. GRCh37 (hg19) VCF-style: chr14-24882304-G-A.
Other names: short protein forms R915H.
Identifiers: ClinVar variation 3719237 (VCV003719237.2).

ClinVar aggregate classification (germline): Uncertain significance (1 of 4 stars; one submission).

gnomAD v4.1: 105 of 1,575,528 alleles (0.0067%); highest among the groups gnomAD compares: Non-Finnish European, 0.0084%; no homozygotes.

Submission:

Labcorp Genetics (formerly Invitae), Labcorp
Classification: Uncertain significance. Last evaluated: 2024-10-29. Review status: criteria provided, single submitter. Criteria: Invitae Variant Classification Sherloc (09022015). Collection method: clinical testing. Allele origin: germline.
Comment: This sequence change replaces arginine, which is basic and polar, with histidine, which is basic and polar, at codon 915 of the NYNRIN protein (p.Arg915His). This variant also falls at the last nucleotide of exon 7, which is part of the consensus splice site for this exon. The frequency data for this variant in the population databases is considered unreliable, as metrics indicate poor data quality at this position in the gnomAD database. This variant has not been reported in the literature in individuals affected with NYNRIN-related conditions. Variants that disrupt the consensus splice site are a relatively common cause of aberrant splicing (PMID: 17576681, 9536098). Algorithms developed to predict the effect of sequence changes on RNA splicing suggest that this variant may disrupt the consensus splice site. In summary, the available evidence is currently insufficient to determine the role of this variant in disease. Therefore, it has been classified as a Variant of Uncertain Significance.

Literature cited by the submitters: PubMed 17576681; PubMed 9536098.